The following is an entry in ClinVar:

ClinVar aggregate classification (germline): Uncertain significance (1 of 4 stars; one submission).

gnomAD v4.1: 8 of 1,611,746 alleles (0.0005%); highest among the groups gnomAD compares: South Asian, 0.0033%; no homozygotes.

Submission:

Labcorp Genetics (formerly Invitae), Labcorp
Classification: Uncertain significance. Last evaluated: 2025-11-16. Review status: criteria provided, single submitter. Criteria: Invitae Variant Classification Sherloc (09022015). Collection method: clinical testing. Allele origin: germline.
Comment: This sequence change replaces glutamine, which is neutral and polar, with arginine, which is basic and polar, at codon 333 of the ADAMTSL4 protein (p.Gln333Arg). This variant is present in population databases (rs756499452, gnomAD 0.01%). This variant has not been reported in the literature in individuals affected with ADAMTSL4-related conditions. Invitae Evidence Modeling of protein sequence and biophysical properties (such as structural, functional, and spatial information, amino acid conservation, physicochemical variation, residue mobility, and thermodynamic stability) indicates that this missense variant is not expected to disrupt ADAMTSL4 protein function with a negative predictive value of 80%. In summary, the available evidence is currently insufficient to determine the role of this variant in disease. Therefore, it has been classified as a Variant of Uncertain Significance.

NM_019032.6(ADAMTSL4):c.998A>G (p.Gln333Arg)

Genes: ADAMTSL4 (ADAMTS like 4; plus strand), ADAMTSL4-AS2 (ADAMTSL4 antisense RNA 2; minus strand). Cytogenetic location: 1q21.2.
Variant type: single nucleotide variant.
Coding change: c.998A>G on transcript NM_019032.6 (MANE Select); coding-DNA position 998, A replaced by G.
Protein change: p.Gln333Arg; replaces glutamine 333 with arginine.
Molecular consequence: missense variant.
Genome position (GRCh38, 1-based): chr1:150,553,989, A>G. VCF-style: chr1-150553989-A-G. GRCh37 (hg19) VCF-style: chr1-150526465-A-G.
Other names: c.998A>G, p.Gln333Arg (NM_001288607.2, NM_001288608.2, NM_001378596.1 and 1 more transcripts); short protein forms Q333R.
Identifiers: ClinVar variation 4703792 (VCV004703792.1).
Genomic context (GRCh38, chr1:150,553,989, plus strand): 5'-GCCAAGGGCCTTGGGGAACGGGGGGGACTCCTCACGGGCCCCGCCTGGAGCCTGACCCTC[A>G]GCACCCGGGCGCCTGGCTGCCCCTGCTGAGCAACGGCCCCCATGCCAGCTCCCTCTGGAG-3'
Protein context (NP_061905.2, residues 323-343): PHGPRLEPDP[Gln333Arg]HPGAWLPLLS